The following is an entry in ClinVar:

ClinVar aggregate classification (germline): Uncertain significance. Review status: criteria provided, multiple submitters, no conflicts (2 of 4 stars). 2 submissions from 2 submitters: Uncertain significance (2). Last evaluated 2022-08-19.

Conditions:
Mucopolysaccharidosis, MPS-IV-A (MPS4A). Also called: Morquio syndrome A, mild; MORQUIO SYNDROME A; GALACTOSAMINE-6-SULFATASE DEFICIENCY; GALNS DEFICIENCY; MORQUIO A DISEASE; Mucopolysaccharidosis type IV A. Identifiers: Orphanet 309297, Orphanet 582, MedGen C0086651, MONDO:0009659, OMIM 253000.

Allele frequency attached by ClinVar (database versions not stated): gnomAD 0.00004 and 0.00005; gnomAD exomes 0.00006 and 0.00010; TOPMed 0.00007; ESP Exome Variant Server 0.00008; ExAC 0.00011; 1000 Genomes Project 30x 0.00016; 1000 Genomes Project 0.00020.
gnomAD v4.1: 94 of 1,614,134 alleles (0.0058%); highest among the groups gnomAD compares: Admixed American, 0.01%; no homozygotes.

Submissions (2):

Labcorp Genetics (formerly Invitae), Labcorp
Classification: Uncertain significance for Mucopolysaccharidosis, MPS-IV-A. Last evaluated: 2022-08-19. Review status: criteria provided, single submitter. Criteria: Invitae Variant Classification Sherloc (09022015). Collection method: clinical testing. Allele origin: germline.
Comment: This sequence change replaces valine, which is neutral and non-polar, with isoleucine, which is neutral and non-polar, at codon 239 of the GALNS protein (p.Val239Ile). This variant is present in population databases (rs145131011, gnomAD 0.01%). This variant has not been reported in the literature in individuals affected with GALNS-related conditions. ClinVar contains an entry for this variant (Variation ID: 1366340). Advanced modeling of protein sequence and biophysical properties (such as structural, functional, and spatial information, amino acid conservation, physicochemical variation, residue mobility, and thermodynamic stability) performed at Invitae indicates that this missense variant is not expected to disrupt GALNS protein function. In summary, the available evidence is currently insufficient to determine the role of this variant in disease. Therefore, it has been classified as a Variant of Uncertain Significance.

Fulgent Genetics
Classification: Uncertain significance for Mucopolysaccharidosis, MPS-IV-A. Last evaluated: 2022-02-14. Review status: criteria provided, single submitter. Criteria: ACMG Guidelines, 2015. Collection method: clinical testing. Allele origin: unknown.

NM_000512.5(GALNS):c.715G>A (p.Val239Ile)

Gene: GALNS (galactosamine (N-acetyl)-6-sulfatase; minus strand). Cytogenetic location: 16q24.3.
Variant type: single nucleotide variant.
Coding change: c.715G>A on transcript NM_000512.5 (MANE Select); coding-DNA position 715, G replaced by A.
Protein change: p.Val239Ile; replaces valine 239 with isoleucine.
Molecular consequence: missense variant.
Genome position (GRCh38, 1-based): chr16:88,835,768, C>T on the plus strand (G>A on the coding strand, the complement: GALNS is on the minus strand). VCF-style: chr16-88835768-C-T. GRCh37 (hg19) VCF-style: chr16-88902176-C-T.
Other names: c.160G>A, p.Val54Ile (NM_001323543.2); c.733G>A, p.Val245Ile (NM_001323544.2); short protein forms V245I, V54I, V239I.
Identifiers: ClinVar variation 1366340 (VCV001366340.4), dbSNP rs145131011, ClinGen allele CA8235017.